The following is an entry in ClinVar:

NM_032490.5(GON7):c.1A>G (p.Met1Val)

Gene: GON7 (GON7 subunit of KEOPS complex; minus strand). Cytogenetic location: 14q32.12.
Variant type: single nucleotide variant.
Coding change: c.1A>G on transcript NM_032490.5 (MANE Select); coding-DNA position 1, A replaced by G.
Protein change: p.Met1Val; changes the start codon (methionine 1).
Molecular consequence: missense variant, initiator codon variant.
Genome position (GRCh38, 1-based): chr14:93,207,037, T>C on the plus strand (A>G on the coding strand, the complement: GON7 is on the minus strand). VCF-style: chr14-93207037-T-C. GRCh37 (hg19) VCF-style: chr14-93673382-T-C.
Other names: c.1A>G (NM_032490.4); short protein forms M1V.
Identifiers: ClinVar variation 3779704 (VCV003779704.2).

ClinVar aggregate classification (germline): Conflicting classifications of pathogenicity. Review status: criteria provided, conflicting classifications (1 of 4 stars). 2 submissions from 2 submitters: Uncertain significance (1); Likely benign (1). Last evaluated 2025-03-14.

Conditions:
Galloway-Mowat syndrome. Also called: GALLOWAY SYNDROME. Identifiers: Orphanet 2065, MedGen C0795949, MONDO:0009627.
GON7-related disorder. Also called: GON7-related condition.

Submissions (2):

PreventionGenetics, part of Exact Sciences
Classification: Likely benign for GON7-related condition. Last evaluated: 2025-03-14. Review status: criteria provided, single submitter. Criteria: ACMG Guidelines, 2015. Collection method: clinical testing. Allele origin: germline.
Comment: This variant is classified as likely benign based on ACMG/AMP sequence variant interpretation guidelines (Richards et al. 2015 PMID: 25741868, with internal and published modifications).

Department of Pathology and Laboratory Medicine, Sinai Health System
Classification: Uncertain significance for Galloway-Mowat syndrome. Last evaluated: 2023-01-23. Review status: criteria provided, single submitter. Criteria: ACMG Guidelines, 2015. Collection method: research. Allele origin: germline.